The following is an entry in ClinVar:

NM_001378457.1(DMXL2):c.8765A>G (p.Asp2922Gly)

Genes: DMXL2 (Dmx like 2; minus strand), LOC126862131 (MED14-independent group 3 enhancer GRCh37_chr15:51741640-51742839; plus strand). Cytogenetic location: 15q21.2.
Variant type: single nucleotide variant.
Coding change: c.8765A>G on transcript NM_001378457.1 (MANE Select); coding-DNA position 8765, A replaced by G.
Protein change: p.Asp2922Gly; replaces aspartic acid 2922 with glycine.
Molecular consequence: missense variant. On other transcripts: non-coding transcript variant (2).
Genome position (GRCh38, 1-based): chr15:51,450,331, T>C on the plus strand (A>G on the coding strand, the complement: DMXL2 is on the minus strand). VCF-style: chr15-51450331-T-C. GRCh37 (hg19) VCF-style: chr15-51742528-T-C.
Other names: c.8702A>G, p.Asp2901Gly (NM_001174116.3); c.6791A>G, p.Asp2264Gly (NM_001174117.3); c.8762A>G, p.Asp2921Gly (NM_001378458.1); c.8477A>G, p.Asp2826Gly (NM_001378459.1); c.6680A>G, p.Asp2227Gly (NM_001378460.1); c.8699A>G, p.Asp2900Gly (NM_015263.5); short protein forms D2826G, D2901G, D2921G, D2922G, D2264G, D2900G, D2227G.
Identifiers: ClinVar variation 1937366 (VCV001937366.4), dbSNP rs980785933, ClinGen allele CA270572967.

ClinVar aggregate classification (germline): Uncertain significance. Review status: criteria provided, multiple submitters, no conflicts (2 of 4 stars). 2 submissions from 2 submitters: Uncertain significance (2). Last evaluated 2024-06-17.

Conditions:
Inborn genetic diseases. Identifiers: MedGen C0950123, MeSH D030342.

Allele frequency attached by ClinVar (database versions not stated): gnomAD exomes below 0.00001; gnomAD 0.00003; TOPMed 0.00005.
gnomAD v4.1: 7 of 1,613,704 alleles (0.00043%); highest among the groups gnomAD compares: African/African-American, 0.0053%; no homozygotes.

Submissions (2):

Ambry Genetics
Classification: Uncertain significance for Inborn genetic diseases. Last evaluated: 2024-06-17. Review status: criteria provided, single submitter. Criteria: Ambry Variant Classification Scheme 2023. Collection method: clinical testing. Allele origin: germline.

Labcorp Genetics (formerly Invitae), Labcorp
Classification: Uncertain significance. Last evaluated: 2022-03-13. Review status: criteria provided, single submitter. Criteria: Invitae Variant Classification Sherloc (09022015). Collection method: clinical testing. Allele origin: germline.
Comment: This sequence change replaces aspartic acid, which is acidic and polar, with glycine, which is neutral and non-polar, at codon 2901 of the DMXL2 protein (p.Asp2901Gly). This variant is present in population databases (no rsID available, gnomAD 0.004%). This variant has not been reported in the literature in individuals affected with DMXL2-related conditions. Algorithms developed to predict the effect of missense changes on protein structure and function are either unavailable or do not agree on the potential impact of this missense change (SIFT: "Tolerated"; PolyPhen-2: "Possibly Damaging"; Align-GVGD: "Class C0"). In summary, the available evidence is currently insufficient to determine the role of this variant in disease. Therefore, it has been classified as a Variant of Uncertain Significance.